The following is an entry in ClinVar:

NM_025153.3(ATP10B):c.3665T>C (p.Ile1222Thr)

Gene: ATP10B (ATPase phospholipid transporting 10B (putative); minus strand). Cytogenetic location: 5q34.
Variant type: single nucleotide variant.
Coding change: c.3665T>C on transcript NM_025153.3 (MANE Select); coding-DNA position 3665, T replaced by C.
Protein change: p.Ile1222Thr; replaces isoleucine 1222 with threonine.
Molecular consequence: missense variant.
Genome position (GRCh38, 1-based): chr5:160,589,677, A>G on the plus strand (T>C on the coding strand, the complement: ATP10B is on the minus strand). VCF-style: chr5-160589677-A-G. GRCh37 (hg19) VCF-style: chr5-160016684-A-G.
Other names: c.3665T>C, p.Ile1222Thr (NM_001366652.1, NM_001366655.1); c.3629T>C, p.Ile1210Thr (NM_001366657.1); c.3581T>C, p.Ile1194Thr (NM_001410822.1); short protein forms I1194T, I1210T, I1222T.
Identifiers: ClinVar variation 3024776 (VCV003024776.22), dbSNP rs144497343, ClinGen allele CA3542096.

ClinVar aggregate classification (germline): Benign (1 of 4 stars; one submission).

Allele frequency attached by ClinVar (database versions not stated): TOPMed 0.00791; 1000 Genomes Project 0.00938; ESP Exome Variant Server 0.00944; 1000 Genomes Project 30x 0.00984; gnomAD exomes 0.01078; gnomAD 0.01143; ExAC 0.01337.
gnomAD v4.1: 17,440 of 1,613,798 alleles (1.1%); highest among the groups gnomAD compares: Middle Eastern, 2.5%; 152 homozygotes.

Submission:

CeGaT Center for Human Genetics Tuebingen
Classification: Benign. Last evaluated: 2025-07-01. Review status: criteria provided, single submitter. Criteria: CeGaT Center For Human Genetics Tuebingen Variant Classification Criteria Version 2. Collection method: clinical testing. Allele origin: germline. Affected: yes. Observed: 2 variant alleles.
Comment: ATP10B: BS1, BS2